The following is an entry in ClinVar:

ClinVar aggregate classification (germline): Pathogenic/Likely pathogenic. Review status: criteria provided, multiple submitters, no conflicts (2 of 4 stars). 3 submissions from 3 submitters: Pathogenic (2); Likely pathogenic (1). Last evaluated 2024-02-22.

Conditions:
Intellectual disability. Also called: Intellectual developmental disorder; Intellectual functioning disability; intellectual disabilities. Identifiers: MedGen C3714756, MeSH D008607, MONDO:0001071, HP:0001249.
GABRB2-related disorders.

Submissions (3):

Labcorp Genetics (formerly Invitae), Labcorp
Classification: Pathogenic for Intellectual disability. Last evaluated: 2024-02-22. Review status: criteria provided, single submitter. Criteria: Invitae Variant Classification Sherloc (09022015). Collection method: clinical testing. Allele origin: germline.
Comment: This sequence change replaces alanine, which is neutral and non-polar, with valine, which is neutral and non-polar, at codon 304 of the GABRB2 protein (p.Ala304Val). This variant is not present in population databases (gnomAD no frequency). This missense change has been observed in individual(s) with developmental and epileptic encephalopathy (PMID: 29100083). In at least one individual the variant was observed to be de novo. ClinVar contains an entry for this variant (Variation ID: 1177964). Advanced modeling of protein sequence and biophysical properties (such as structural, functional, and spatial information, amino acid conservation, physicochemical variation, residue mobility, and thermodynamic stability) performed at Invitae indicates that this missense variant is expected to disrupt GABRB2 protein function with a positive predictive value of 80%. This variant disrupts the p.Ala304 amino acid residue in GABRB2. Other variant(s) that disrupt this residue have been determined to be pathogenic (PMID: 33325057). This suggests that this residue is clinically significant, and that variants that disrupt this residue are likely to be disease-causing. For these reasons, this variant has been classified as Pathogenic.

Blueprint Genetics
Classification: Likely pathogenic for GABRB2-related disorders. Last evaluated: 2021-05-27. Review status: criteria provided, single submitter. Criteria: ACMG Guidelines, 2015. Collection method: clinical testing. Allele origin: germline. Affected: yes. Observed: 1 variant allele.

GeneDx
Classification: Pathogenic. Last evaluated: 2019-07-22. Review status: criteria provided, single submitter. Criteria: GeneDx Variant Classification Process June 2021. Collection method: clinical testing. Allele origin: germline. Affected: yes.
Comment: Not observed in large population cohorts (Lek et al., 2016); In silico analysis, which includes protein predictors and evolutionary conservation, supports a deleterious effect; This variant is associated with the following publications: (PMID: 29100083, 27171548, 30851244)

Literature cited by the submitters: PubMed 29100083 (cited by Labcorp Genetics (formerly Invitae), Labcorp); PubMed 33325057 (cited by Labcorp Genetics (formerly Invitae), Labcorp).

NM_001371727.1(GABRB2):c.911C>T (p.Ala304Val)

Gene: GABRB2 (gamma-aminobutyric acid type A receptor subunit beta2; minus strand). Cytogenetic location: 5q34.
Variant type: single nucleotide variant.
Coding change: c.911C>T on transcript NM_001371727.1 (MANE Select); coding-DNA position 911, C replaced by T.
Protein change: p.Ala304Val; replaces alanine 304 with valine.
Molecular consequence: missense variant.
Genome position (GRCh38, 1-based): chr5:161,331,049, G>A on the plus strand (C>T on the coding strand, the complement: GABRB2 is on the minus strand). VCF-style: chr5-161331049-G-A. GRCh37 (hg19) VCF-style: chr5-160758056-G-A.
Other names: c.911C>T, p.Ala304Val (NM_000813.3, NM_021911.3); short protein forms A304V.
Identifiers: ClinVar variation 1177964 (VCV001177964.5), dbSNP rs1580984866, ClinGen allele CA362175357.